The following is an entry in ClinVar:

ClinVar aggregate classification (germline): Uncertain significance. Review status: criteria provided, multiple submitters, no conflicts (2 of 4 stars). 3 submissions from 3 submitters: Uncertain significance (3). Last evaluated 2023-06-17.

Conditions:
Cardiomyopathy (CMYO). Also called: Cardiomyopathies. Identifiers: Orphanet 167848, MedGen C0878544, MONDO:0004994, HP:0001638. Inheritance: Various modes of inheritance.
Cardiovascular phenotype. Identifiers: MedGen CN230736.
Hypertrophic cardiomyopathy. Also called: HYPERTROPHIC MYOCARDIOPATHY. Identifiers: Orphanet 217569, MedGen C0007194, MeSH D002312, MONDO:0005045, HP:0001639.

Submissions (3):

Labcorp Genetics (formerly Invitae), Labcorp
Classification: Uncertain significance for Hypertrophic cardiomyopathy. Last evaluated: 2023-06-17. Review status: criteria provided, single submitter. Criteria: Invitae Variant Classification Sherloc (09022015). Collection method: clinical testing. Allele origin: germline.
Comment: This sequence change replaces arginine, which is basic and polar, with glycine, which is neutral and non-polar, at codon 141 of the TNNI3 protein (p.Arg141Gly). This variant is not present in population databases (gnomAD no frequency). This variant has not been reported in the literature in individuals affected with TNNI3-related conditions. ClinVar contains an entry for this variant (Variation ID: 920147). An algorithm developed to predict the effect of missense changes on protein structure and function (PolyPhen-2) suggests that this variant is likely to be disruptive. This variant disrupts the p.Arg141 amino acid residue in TNNI3. Other variant(s) that disrupt this residue have been determined to be pathogenic (PMID: 12707239, 18403758, 19645627, 23283745). This suggests that this residue is clinically significant, and that variants that disrupt this residue are likely to be disease-causing. In summary, the available evidence is currently insufficient to determine the role of this variant in disease. Therefore, it has been classified as a Variant of Uncertain Significance.

Ambry Genetics
Classification: Uncertain significance for Cardiovascular phenotype. Last evaluated: 2019-12-20. Review status: criteria provided, single submitter. Criteria: Ambry Variant Classification Scheme 2023. Collection method: clinical testing. Allele origin: germline.
Comment: The p.R141G variant (also known as c.421C>G), located in coding exon 7 of the TNNI3 gene, results from a C to G substitution at nucleotide position 421. The arginine at codon 141 is replaced by glycine, an amino acid with dissimilar properties. A different alteration located at the same position, p.R141Q, has been detected in several individuals with hypertrophic cardiomyopathy (HCM) (Richard P et al. Circulation. 2003;107:2227-32; Van Driest SL et al. Circulation. 2003;108:445-51; van den Wijngaard A et al. Neth Heart J. 2011;19:344-51; Rani DS et al. BMC Med. Genet. 2012;13:69; Zou Y et al. Mol Biol Rep. 2013;40:3969-76; Landry CH et al. N Engl J Med. 2017;377(20):1943-1953; Curila K et al. Genet Test Mol Biomarkers. 2009;13:647-50), was detected in the homozygous state in an individual with severe biventricular hypertrophy (Mogensen J et al. J Am Coll Cardiol. 2004;44:2315-25), has co-occurred with other variants in cardiac-related genes in affected individuals (Morita H et al. N Engl J Med. 2008;358:1899-908; Santos S et al. BMC Med Genet. 2012;13:17), and has been detected in unaffected relatives (Mogensen J et al. J Am Coll Cardiol. 2004;44:2315-25). In addition, a different alteration located at the same position, p.R141W, has been detected in one individual with hypertrophic cardiomyopathy (HCM) (Viswanathan SK et al. PLoS ONE, 2017 Nov;12:e0187948). This amino acid position is well conserved in available vertebrate species. In addition, this alteration is predicted to be deleterious by in silico analysis. Since supporting evidence is limited at this time, the clinical significance of the p.R141G alteration remains unclear.

Color Diagnostics, LLC DBA Color Health
Classification: Uncertain significance for Cardiomyopathy. Last evaluated: 2019-08-14. Review status: criteria provided, single submitter. Criteria: ACMG Guidelines, 2015. Collection method: clinical testing. Allele origin: germline.
Comment: This missense variant replaces arginine with glycine at codon 141 of the TNNI3 protein. Computational prediction tools and conservation analyses are inconclusive regarding the impact of this variant on the protein function. Computational splicing tools suggest that this variant may not impact RNA splicing. To our knowledge, functional assays have not been performed for this variant. This variant has been reported in an individual referred for cardiomyopathy test, who showed no left ventricular hypertrophy (PMID: 24704860). This variant has not been identified in the general population by the Genome Aggregation Database (gnomAD). A different missense variant occurring at the same codon, p.Arg141Gln, is associated with disease (Clinvar variation ID 43381), suggesting that arginine at this position is important for the protein function. Available evidence is insufficient to determine the role of this variant in disease conclusively. Therefore, this variant is classified as a Variant of Uncertain Significance.

Literature cited by the submitters: PubMed 12707239 (cited by Labcorp Genetics (formerly Invitae), Labcorp); PubMed 18403758 (cited by Labcorp Genetics (formerly Invitae), Labcorp); PubMed 19645627 (cited by Labcorp Genetics (formerly Invitae), Labcorp); PubMed 23283745 (cited by Labcorp Genetics (formerly Invitae), Labcorp).

NM_000363.5(TNNI3):c.421C>G (p.Arg141Gly)

Gene: TNNI3 (troponin I3, cardiac type; minus strand). Cytogenetic location: 19q13.42.
Variant type: single nucleotide variant.
Coding change: c.421C>G on transcript NM_000363.5 (MANE Select); coding-DNA position 421, C replaced by G.
Protein change: p.Arg141Gly; replaces arginine 141 with glycine.
Molecular consequence: missense variant.
Genome position (GRCh38, 1-based): chr19:55,154,158, G>C on the plus strand (C>G on the coding strand, the complement: TNNI3 is on the minus strand). VCF-style: chr19-55154158-G-C. GRCh37 (hg19) VCF-style: chr19-55665526-G-C.
Other names: short protein forms R141G.
Identifiers: ClinVar variation 920147 (VCV000920147.9), dbSNP rs730881071, ClinGen allele CA407440587.
Genomic context (GRCh38, chr19:55,154,158, plus strand): 5'-CCCCCAGCAGCGCCTGCATCATGGCATCTGCAGAGATCCTCACTCTCCGCAGGGTGGGCC[G>C]CTTAAACTTGCCTCGAAGGTCAAAGATCTTCTGAGTCAGATCTGCAATCTGGGGGCACAC-3'
Protein context (NP_000354.4, residues 131-151): KIFDLRGKFK[Arg141Gly]PTLRRVRISA